The following is an entry in ClinVar:

NM_005045.4(RELN):c.4507A>G (p.Ile1503Val)

Gene: RELN (reelin; minus strand). Cytogenetic location: 7q22.1.
Variant type: single nucleotide variant.
Coding change: c.4507A>G on transcript NM_005045.4 (MANE Select); coding-DNA position 4507, A replaced by G.
Protein change: p.Ile1503Val; replaces isoleucine 1503 with valine.
Molecular consequence: missense variant.
Genome position (GRCh38, 1-based): chr7:103,574,096, T>C on the plus strand (A>G on the coding strand, the complement: RELN is on the minus strand). VCF-style: chr7-103574096-T-C. GRCh37 (hg19) VCF-style: chr7-103214543-T-C.
Other names: c.4507A>G, p.Ile1503Val (NM_173054.3); short protein forms I1503V.
Identifiers: ClinVar variation 1008124 (VCV001008124.7), dbSNP rs779797168, ClinGen allele CA4421504.
Genomic context (GRCh38, chr7:103,574,096, plus strand): 5'-ACATCGTGTGGTAAATAATATGTTTGTGAAAAAGTATACCAGTTAATACTTGTTACCTGA[T>C]ATTCCTGGTGTCCAGAGGGACCGTCCGGGCTTCCCTTTTCCCAGGGCCATTGAAGTAGAG-3'
Protein context (NP_005036.2, residues 1493-1513): ARTVPLDTRN[Ile1503Val]RLVQFYIQIG

ClinVar aggregate classification (germline): Uncertain significance. Review status: criteria provided, multiple submitters, no conflicts (2 of 4 stars). 2 submissions from 2 submitters: Uncertain significance (2). Last evaluated 2025-05-12.

Conditions:
Familial temporal lobe epilepsy 7. Identifiers: Orphanet 101046, MedGen C4225327, MONDO:0014639, OMIM 616436.
Norman-Roberts syndrome (LIS2). Also called: Lissencephaly 2 (Norman-Roberts type). Identifiers: Orphanet 89844, MedGen C0796089, MONDO:0009760, OMIM 257320.

Allele frequency attached by ClinVar (database versions not stated): TOPMed below 0.00001.

Submissions (2):

Labcorp Genetics (formerly Invitae), Labcorp
Classification: Uncertain significance for Familial temporal lobe epilepsy 7; Norman-Roberts syndrome. Last evaluated: 2025-05-12. Review status: criteria provided, single submitter. Criteria: Invitae Variant Classification Sherloc (09022015). Collection method: clinical testing. Allele origin: germline.
Comment: This sequence change replaces isoleucine, which is neutral and non-polar, with valine, which is neutral and non-polar, at codon 1503 of the RELN protein (p.Ile1503Val). This variant is present in population databases (rs779797168, gnomAD 0.0009%). This variant has not been reported in the literature in individuals affected with RELN-related conditions. ClinVar contains an entry for this variant (Variation ID: 1008124). Invitae Evidence Modeling of protein sequence and biophysical properties (such as structural, functional, and spatial information, amino acid conservation, physicochemical variation, residue mobility, and thermodynamic stability) indicates that this missense variant is not expected to disrupt RELN protein function with a negative predictive value of 80%. In summary, the available evidence is currently insufficient to determine the role of this variant in disease. Therefore, it has been classified as a Variant of Uncertain Significance.

Blueprint Genetics
Classification: Uncertain significance. Last evaluated: 2023-09-18. Review status: criteria provided, single submitter. Criteria: ACMG Guidelines, 2015. Collection method: clinical testing. Allele origin: germline.